The following is an entry in ClinVar:

ClinVar aggregate classification (germline): Uncertain significance (1 of 4 stars; one submission).

Conditions:
Primary dilated cardiomyopathy (DCM). Also called: Dilated Cardiomyopathy. Identifiers: Orphanet 217604, MedGen C0007193, MeSH D002311, MONDO:0005021, HP:0001644. Inheritance: Various modes of inheritance.

Submission:

Labcorp Genetics (formerly Invitae), Labcorp
Classification: Uncertain significance for Primary dilated cardiomyopathy. Last evaluated: 2025-12-08. Review status: criteria provided, single submitter. Criteria: Invitae Variant Classification Sherloc (09022015). Collection method: clinical testing. Allele origin: germline.
Comment: This sequence change creates a premature translational stop signal (p.Ile47Thrfs*164) in the FHL2 gene. It is expected to result in an absent or disrupted protein product. However, the current clinical and genetic evidence is not sufficient to establish whether loss-of-function variants in FHL2 cause disease. This variant is not present in population databases (gnomAD no frequency). This variant has not been reported in the literature in individuals affected with FHL2-related conditions. In summary, the available evidence is currently insufficient to determine the role of this variant in disease. Therefore, it has been classified as a Variant of Uncertain Significance.

NM_001318895.3(FHL2):c.140del (p.Ile47fs)

Gene: FHL2 (four and a half LIM domains 2; minus strand). Cytogenetic location: 2q12.2.
Variant type: Deletion.
Coding change: c.140del on transcript NM_001318895.3 (MANE Select); coding-DNA position 140, one base deleted (T; older notation c.140delT).
Protein change: p.Ile47fs; shifts the reading frame from isoleucine 47.
Molecular consequence: frameshift variant. On other transcripts: 5 prime UTR variant (3).
Genome position (GRCh38, 1-based): chr2:105,386,377, A deleted on the plus strand (T on the coding strand, the reverse complement: FHL2 is on the minus strand). VCF-style (leftmost placement, unchanged base first): chr2-105386376-GA-G. GRCh37 (hg19) VCF-style: chr2-106002833-GA-G.
Other names: c.140del, p.Ile47fs (NM_001039492.3, NM_001318894.1, NM_001318896.2 and 4 more transcripts); c.-28del (NM_001318897.2, NM_001318898.2); c.-307del (NM_001318899.2); short protein forms I47fs.
Identifiers: ClinVar variation 4732484 (VCV004732484.1).